The following is an entry in ClinVar:

ClinVar aggregate classification (germline): Uncertain significance. Review status: criteria provided, single submitter (1 of 4 stars). 2 submissions from 2 submitters: Uncertain significance (1). 1 of the submissions does not count toward it. Last evaluated 2024-08-12.

Conditions:
Familial dysautonomia. Also called: FD; HSAN III. Identifiers: Orphanet 1764, MedGen C0013364, MONDO:0009131, OMIM 223900. Disease mechanism: loss of function.

Allele frequency attached by ClinVar (database versions not stated): gnomAD exomes below 0.00001; TOPMed below 0.00001.

Submissions (2):

GeneDx
Classification: Uncertain significance. Last evaluated: 2024-08-12. Review status: criteria provided, single submitter. Criteria: GeneDx Variant Classification Process June 2021. Collection method: clinical testing. Allele origin: germline. Affected: yes.
Comment: Not observed at significant frequency in large population cohorts (gnomAD); In-frame deletion of 1 amino acid in a non-repeat region; In silico analysis supports a deleterious effect on protein structure/function; Has not been previously published as pathogenic or benign to our knowledge

Counsyl
Classification: Uncertain significance for Familial dysautonomia. Last evaluated: 2017-09-28. Review status: no assertion criteria provided. Collection method: clinical testing. Allele origin: unknown. Not counted in ClinVar's aggregate classification.

NM_003640.5(ELP1):c.3622_3624del (p.Lys1208del)

Gene: ELP1 (elongator acetyltransferase complex subunit 1; minus strand). Cytogenetic location: 9q31.3.
Variant type: Deletion.
Coding change: c.3622_3624del on transcript NM_003640.5 (MANE Select); coding-DNA positions 3622 to 3624, 3 bases deleted (AAA; older notation c.3622_3624delAAA).
Protein change: p.Lys1208del; deletes lysine 1208.
Molecular consequence: inframe deletion.
Genome position (GRCh38, 1-based): chr9:108,878,699-108,878,701, TTT deleted on the plus strand (AAA on the coding strand, the reverse complement: ELP1 is on the minus strand). VCF-style (leftmost placement, unchanged base first): chr9-108878698-CTTT-C. GRCh37 (hg19) VCF-style: chr9-111640978-CTTT-C.
Other names: c.3622_3624delAAA (NM_003640.3); c.3280_3282del, p.Lys1094del (NM_001318360.2); c.2575_2577del, p.Lys859del (NM_001330749.2); c.3622_3624del (NM_003640.3, LRG_251t1); short protein forms K1208del, K1094del, K859del.
Identifiers: ClinVar variation 554171 (VCV000554171.3), dbSNP rs1453695293, ClinGen allele CA658821360.
Genomic context (GRCh38, chr9:108,878,698, plus strand): 5'-TGTTCTGCACCACTTCACTCAGTGCCTCCAGGAGGGCCAGGTCCTCCAGCGGACTGCCTT[CTTT>C]GAGGCTGTGCTTCTTCCGCTCCGCTTTTCGGCGATTCTTGGATGATCTCCTGTTAGAAAT-3'